The following is an entry in ClinVar:

ClinVar aggregate classification (germline): Likely benign (1 of 4 stars; one submission).

Submission:

Women's Health and Genetics/Laboratory Corporation of America, LabCorp
Classification: Likely benign. Last evaluated: 2025-09-05. Review status: criteria provided, single submitter. Criteria: LabCorp Variant Classification Summary - May 2015. Collection method: clinical testing. Allele origin: germline.
Comment: Variant summary: DDX11 c.1185G>T alters a conserved nucleotide resulting in a synonymous change. Consensus agreement among computation tools predict no significant impact on normal splicing. However, these predictions have yet to be confirmed by functional studies. The variant was absent in 250452 control chromosomes. The available data on variant occurrences in the general population are insufficient to allow any conclusion about variant significance. To our knowledge, no occurrence of c.1185G>T in individuals affected with DDX11-related conditions and no experimental evidence demonstrating its impact on protein function have been reported. No submitters have cited clinical-significance assessments for this variant to ClinVar. Based on the evidence outlined above, the variant was classified as likely benign.

NM_030653.4(DDX11):c.1185G>T (p.Ala395=)

Gene: DDX11 (DEAD/H-box helicase 11; plus strand). Cytogenetic location: 12p11.21.
Variant type: single nucleotide variant.
Coding change: c.1185G>T on transcript NM_030653.4 (MANE Select); coding-DNA position 1185, G replaced by T.
Protein change: p.Ala395=; no amino-acid change (alanine 395 retained).
Molecular consequence: synonymous variant. On other transcripts: non-coding transcript variant (4).
Genome position (GRCh38, 1-based): chr12:31,091,814, G>T. VCF-style: chr12-31091814-G-T. GRCh37 (hg19) VCF-style: chr12-31244748-G-T.
Other names: c.1185G>T, p.Ala395= (NM_001257144.2, NM_001413692.1, NM_001413693.1 and 5 more transcripts); c.1107G>T, p.Ala369= (NM_001257145.2, NM_001413697.1, NM_001413698.1 and 1 more transcripts); c.1098G>T, p.Ala366= (NM_001413700.1); c.657G>T, p.Ala219= (NM_001413702.1, NM_001413703.1); c.324G>T, p.Ala108= (NM_001413704.1, NM_001413705.1); c.219G>T, p.Ala73= (NM_001413706.1).
Identifiers: ClinVar variation 4535709 (VCV004535709.1).